The following is an entry in ClinVar:

ClinVar aggregate classification (germline): Uncertain significance. Review status: criteria provided, multiple submitters, no conflicts (2 of 4 stars). 7 submissions from 7 submitters: Uncertain significance (7). Last evaluated 2025-10-28.

Conditions:
Progressive external ophthalmoplegia with mitochondrial DNA deletions, autosomal dominant 1 (PEOA1). Also called: PROGRESSIVE EXTERNAL OPHTHALMOPLEGIA, AUTOSOMAL DOMINANT 1; Autosomal Dominant Progressive External Ophthalmoplegia (adPEO). Identifiers: MedGen C1834846, MONDO:0024528, OMIM 157640.
Progressive external ophthalmoplegia with mitochondrial DNA deletions, autosomal recessive 1 (PEOB1). Also called: Progressive external ophthalmoplegia, autosomal recessive 1; Autosomal Recessive Progressive External Ophthalmoplegia (arPEO). Identifiers: Orphanet 254886, MedGen C4225153, MONDO:0009783, OMIM 258450.
Progressive sclerosing poliodystrophy (MTDPS4A). Also called: ALPERS DIFFUSE DEGENERATION OF CEREBRAL GRAY MATTER WITH HEPATIC CIRRHOSIS; Alpers Syndrome; Mitochondrial DNA Depletion Syndrome 4A; ALPERS PROGRESSIVE INFANTILE POLIODYSTROPHY; NEURONAL DEGENERATION OF CHILDHOOD WITH LIVER DISEASE, PROGRESSIVE; Mitochondrial DNA depletion syndrome 4A (Alpers type). Identifiers: Orphanet 726, MedGen C0205710, MONDO:0008758, OMIM 203700.
Mitochondrial DNA depletion syndrome 4b. Also called: MNGIE, POLG-RELATED; Mitochondrial Neurogastrointestinal Encephalopathy Disease, POLG-Related. Identifiers: Orphanet 298, MedGen C3150914, MONDO:0013350, OMIM 613662.
Sensory ataxic neuropathy, dysarthria, and ophthalmoparesis (SANDO). Also called: Sensory ataxic neuropathy-dysarthria-ophthalmoparesis syndrome; Ataxia Neuropathy Spectrum (ANS); Epilepsy, progressive myoclonic, type 5; SENSORY ATAXIC NEUROPATHY WITH MITOCHONDRIAL DNA DELETIONS, AUTOSOMAL RECESSIVE. Identifiers: Orphanet 70595, MedGen C1843851, MONDO:0011835, OMIM 607459.
POLG-related disorder. Also called: POLG-Related Spectrum Disorders; POLG-related condition; POLG-Related Disorders. Identifiers: MedGen C4763519.

Allele frequency attached by ClinVar (database versions not stated): ExAC 0.00001; TOPMed 0.00001; gnomAD exomes 0.00002 and 0.00003.
gnomAD v4.1: 38 of 1,614,184 alleles (0.0024%); highest among the groups gnomAD compares: Middle Eastern, 0.033%; no homozygotes.

Submissions (7):

Labcorp Genetics (formerly Invitae), Labcorp
Classification: Uncertain significance for Progressive sclerosing poliodystrophy. Last evaluated: 2025-10-28. Review status: criteria provided, single submitter. Criteria: Invitae Variant Classification Sherloc (09022015). Collection method: clinical testing. Allele origin: germline.
Comment: This sequence change replaces leucine, which is neutral and non-polar, with valine, which is neutral and non-polar, at codon 816 of the POLG protein (p.Leu816Val). This variant is present in population databases (rs748262645, gnomAD 0.004%). This variant has not been reported in the literature in individuals affected with POLG-related conditions. ClinVar contains an entry for this variant (Variation ID: 379675). Invitae Evidence Modeling of protein sequence and biophysical properties (such as structural, functional, and spatial information, amino acid conservation, physicochemical variation, residue mobility, and thermodynamic stability) has been performed for this missense variant. However, the output from this modeling did not meet the statistical confidence thresholds required to predict the impact of this variant on POLG protein function. In summary, the available evidence is currently insufficient to determine the role of this variant in disease. Therefore, it has been classified as a Variant of Uncertain Significance.

Women's Health and Genetics/Laboratory Corporation of America, LabCorp
Classification: Uncertain significance. Last evaluated: 2024-09-16. Review status: criteria provided, single submitter. Criteria: LabCorp Variant Classification Summary - May 2015. Collection method: clinical testing. Allele origin: germline.
Comment: Variant summary: POLG c.2446C>G (p.Leu816Val) results in a conservative amino acid change located in the DNA polymerase gamma, palm domain (IPR047580) of the encoded protein sequence. Four of five in-silico tools predict a damaging effect of the variant on protein function. The variant allele was found at a frequency of 1.6e-05 in 251458 control chromosomes. The available data on variant occurrences in the general population are insufficient to allow any conclusion about variant significance. To our knowledge, no occurrence of c.2446C>G in individuals affected with POLG-Related Spectrum Disorders and no experimental evidence demonstrating its impact on protein function have been reported. ClinVar contains an entry for this variant (Variation ID: 379675). Based on the evidence outlined above, the variant was classified as uncertain significance.

Blueprint Genetics
Classification: Uncertain significance. Last evaluated: 2024-09-03. Review status: criteria provided, single submitter. Criteria: ACMG Guidelines, 2015. Collection method: clinical testing. Allele origin: germline.

Fulgent Genetics
Classification: Uncertain significance for Progressive external ophthalmoplegia with mitochondrial DNA deletions, autosomal dominant 1; Progressive sclerosing poliodystrophy; Progressive external ophthalmoplegia with mitochondrial DNA deletions, autosomal recessive 1; Sensory ataxic neuropathy, dysarthria, and ophthalmoparesis; Mitochondrial DNA depletion syndrome 4b. Last evaluated: 2024-05-21. Review status: criteria provided, single submitter. Criteria: ACMG Guidelines, 2015. Collection method: clinical testing. Allele origin: germline.

PreventionGenetics, part of Exact Sciences
Classification: Uncertain significance for POLG-related condition. Last evaluated: 2022-11-21. Review status: criteria provided, single submitter. Criteria: ACMG Guidelines, 2015. Collection method: clinical testing. Allele origin: germline.
Comment: The POLG c.2446C>G variant is predicted to result in the amino acid substitution p.Leu816Val. To our knowledge, this variant has not been reported in the literature. This variant is reported in 0.0035% of alleles in individuals of European (Non-Finnish) descent in gnomAD. At this time, the clinical significance of this variant is uncertain due to the absence of conclusive functional and genetic evidence.

Wong Mito Lab, Molecular and Human Genetics, Baylor College of Medicine
Classification: Uncertain significance for Progressive sclerosing poliodystrophy. Last evaluated: 2018-10-01. Review status: criteria provided, single submitter. Criteria: ACMG Guidelines, 2015. Collection method: clinical testing. Allele origin: germline.
Comment: The NM_002693.2:c.2446C>G (NP_002684.1:p.Leu816Val) [GRCH38: NC_000015.10:g.89321996G>C] variant in POLG gene is interpretated to be a Uncertain Significance based on ACMG guidelines (PMID: 25741868). This variant meets the following evidence codes reported in the ACMG-guideline. BP4:Computational evidence/predictors indicate no impact on the POLG structure, function, or protein-protein interaction. Based on the evidence criteria codes applied, the variant is suggested to be Uncertain Significance.

GeneDx
Classification: Uncertain significance. Last evaluated: 2016-09-23. Review status: criteria provided, single submitter. Criteria: GeneDx Variant Classification (06012015). Collection method: clinical testing. Allele origin: germline. Affected: yes.
Comment: The L816V variant in the POLG gene has not been reported previously as a pathogenic variant, nor as a benign variant, to our knowledge. The L816V variant was not observed in approximately 6500 individuals of European and African American ancestry in the NHLBI Exome Sequencing Project, indicating it is not a common benign variant in these populations. The L816V variant is a conservative amino acid substitution, which is not likely to impact secondary protein structure as these residues share similar properties. This substitution occurs at a position that is conserved across species. In silico analysis is inconsistent in its predictions as to whether or not the variant is damaging to the protein structure/function. We interpret L816V as a variant of uncertain significance.

NM_002693.3(POLG):c.2446C>G (p.Leu816Val)

Gene: POLG (DNA polymerase gamma, catalytic subunit; minus strand). Cytogenetic location: 15q26.1.
Variant type: single nucleotide variant.
Coding change: c.2446C>G on transcript NM_002693.3 (MANE Select); coding-DNA position 2446, C replaced by G.
Protein change: p.Leu816Val; replaces leucine 816 with valine.
Molecular consequence: missense variant.
Genome position (GRCh38, 1-based): chr15:89,321,996, G>C on the plus strand (C>G on the coding strand, the complement: POLG is on the minus strand). VCF-style: chr15-89321996-G-C. GRCh37 (hg19) VCF-style: chr15-89865227-G-C.
Other names: c.2446C>G, p.Leu816Val (NM_001126131.2); short protein forms L816V.
Identifiers: ClinVar variation 379675 (VCV000379675.13), dbSNP rs748262645, ClinGen allele CA7724474.